The following is an entry in ClinVar:

NC_000013.11:g.(?_48303701)_(48304059_?)del

Gene: RB1 (RB transcriptional corepressor 1; plus strand). Cytogenetic location: 13q14.2.
Variant type: Deletion.
Identifiers: ClinVar variation 830533 (VCV000830533.1).

ClinVar aggregate classification (germline): Pathogenic (1 of 4 stars; one submission).

Conditions:
Retinoblastoma (RB1). Also called: RETINOBLASTOMA, SOMATIC. Identifiers: Orphanet 790, MedGen C0035335, MeSH D012175, MONDO:0008380, OMIM 180200, HP:0009919. Disease mechanism: loss of function. Inheritance: Both sporadic and heritable forms are tested..

Submission:

Labcorp Genetics (formerly Invitae), Labcorp
Classification: Pathogenic for Retinoblastoma. Last evaluated: 2019-11-21. Review status: criteria provided, single submitter. Criteria: Invitae Variant Classification Sherloc (09022015). Collection method: clinical testing. Allele origin: germline.
Comment: This variant is a gross deletion of the genomic region encompassing exon 1 of the RB1 gene, which includes the initiator codon. The 5' end of this event is unknown as it extends beyond the assayed region for this gene and therefore may encompass additional genes. The 3' boundary is likely confined to intron 1 of the RB1 gene. This is expected to result in an absent or disrupted protein product. Similar deletion of exon 1 has been observed in individual(s) with retinoblastoma (PMID: 22180099). This variant is also described as c.1_137del in the literature. Loss-of-function variants in RB1 are known to be pathogenic (PMID: 17096365). For these reasons, this variant has been classified as Pathogenic.

Literature cited by the submitters: PubMed 22180099.